The following is an entry in ClinVar:

NM_001034853.2(RPGR):c.1154T>A (p.Leu385Ter)

Gene: RPGR (retinitis pigmentosa GTPase regulator; minus strand). Cytogenetic location: Xp11.4.
Variant type: single nucleotide variant.
Coding change: c.1154T>A on transcript NM_001034853.2 (MANE Select); coding-DNA position 1154, T replaced by A.
Protein change: p.Leu385Ter; replaces leucine 385 with a stop codon.
Molecular consequence: nonsense. On other transcripts: non-coding transcript variant (6), intron variant (2).
Genome position (GRCh38, 1-based): chrX:38,299,047, A>T on the plus strand (T>A on the coding strand, the complement: RPGR is on the minus strand). VCF-style: chrX-38299047-A-T. GRCh37 (hg19) VCF-style: chrX-38158300-A-T.
Other names: NM_001034853.2:c.1154T>A; c.1154T>A, p.Leu385Ter (NM_000328.3, NM_001367247.1); c.1151T>A, p.Leu384Ter (NM_001367245.1, NM_001367249.1, NM_001367250.1); c.1184T>A, p.Leu395Ter (NM_001367248.1); c.1060-1595T>A (NM_001367251.1, NM_001367246.1); short protein forms L384*, L385*, L395*.
Identifiers: ClinVar variation 4072384 (VCV004072384.1).

ClinVar aggregate classification (germline): Pathogenic (3 of 4 stars; one submission).

Conditions:
RPGR-related retinopathy. Also called: RPGR retinopathy. Identifiers: MedGen CN305589, MONDO:0100437.

Submission:

ClinGen X-linked Inherited Retinal Disease Variant Curation Expert Panel, ClinGen
Classification: Pathogenic for RPGR-related retinopathy. Last evaluated: 2025-08-01. Review status: reviewed by expert panel. Criteria: ClinGen X LinkedIRD ACMG Specifications RPGR V1.0.0. Collection method: curation. Allele origin: germline. Inheritance: X-linked inheritance.
Comment: NM_001034853.2(RPGR):c.1154T>A (p.Leu385Ter) is a nonsense variant that substitutes a premature stop codon for amino acid 385 in exon 10 of 15 and is predicted to trigger nonsense-mediated decay (PVS1). Fibroblast cells expressing the variant exhibit loss of RPGR localization to the ciliary axoneme (PMID: 33182541). This variant is absent from gnomAD v4.1.0 (PM2_Supporting). The variant has been reported to segregate with retinal dystrophy through at least 2 affected meioses from 1 family (PP1; PMID: 37541846). In summary, this variant is classified as pathogenic for RPGR-related retinopathy based on the ClinGen X-linked Inherited Retinal Disease Expert Panel Specifications to the ACMG/AMP Variant Interpretation Guidelines for RPGR Version 1.0.0; PVS1, PM2_Supporting, and PP1. (date of approval 05/16/2025).